The following is an entry in ClinVar:

NM_004006.3(DMD):c.7034C>T (p.Ser2345Phe)

Gene: DMD (dystrophin; minus strand). Cytogenetic location: Xp21.1.
Variant type: single nucleotide variant.
Coding change: c.7034C>T on transcript NM_004006.3 (MANE Select); coding-DNA position 7034, C replaced by T.
Protein change: p.Ser2345Phe; replaces serine 2345 with phenylalanine.
Molecular consequence: missense variant. On other transcripts: 5 prime UTR variant (5).
Genome position (GRCh38, 1-based): chrX:31,875,252, G>A on the plus strand (C>T on the coding strand, the complement: DMD is on the minus strand). VCF-style: chrX-31875252-G-A. GRCh37 (hg19) VCF-style: chrX-31893369-G-A.
Other names: c.7010C>T, p.Ser2337Phe (NM_000109.4); c.7022C>T, p.Ser2341Phe (NM_004009.3); c.6665C>T, p.Ser2222Phe (NM_004010.3); c.3011C>T, p.Ser1004Phe (NM_004011.4); c.3002C>T, p.Ser1001Phe (NM_004012.4); c.-347C>T (NM_004013.3, NM_004020.4, NM_004021.3 and 2 more transcripts); short protein forms S2222F, S2341F, S1004F, S1001F, S2337F, S2345F.
Identifiers: ClinVar variation 1379325 (VCV001379325.8), dbSNP rs2149680055, ClinGen allele CA412659999.

ClinVar aggregate classification (germline): Uncertain significance (1 of 4 stars; one submission).

Conditions:
Duchenne muscular dystrophy (DMD). Also called: MUSCULAR DYSTROPHY, PSEUDOHYPERTROPHIC PROGRESSIVE, DUCHENNE TYPE; Duchenne Muscular Dystrophy (DMD). Identifiers: Orphanet 98896, MedGen C0013264, MONDO:0010679, OMIM 310200.

Submission:

Labcorp Genetics (formerly Invitae), Labcorp
Classification: Uncertain significance for Duchenne muscular dystrophy. Last evaluated: 2021-03-16. Review status: criteria provided, single submitter. Criteria: Invitae Variant Classification Sherloc (09022015). Collection method: clinical testing. Allele origin: germline.
Comment: This variant is not present in population databases (ExAC no frequency). In summary, the available evidence is currently insufficient to determine the role of this variant in disease. Therefore, it has been classified as a Variant of Uncertain Significance. Algorithms developed to predict the effect of missense changes on protein structure and function are either unavailable or do not agree on the potential impact of this missense change (SIFT: "Deleterious"; PolyPhen-2: "Benign"; Align-GVGD: "Class C25"). This variant has not been reported in the literature in individuals with DMD-related conditions. This sequence change replaces serine with phenylalanine at codon 2345 of the DMD protein (p.Ser2345Phe). The serine residue is highly conserved and there is a large physicochemical difference between serine and phenylalanine.